The following is an entry in ClinVar:

NM_018297.4(NGLY1):c.460G>A (p.Gly154Arg)

Gene: NGLY1 (N-glycanase 1; minus strand). Cytogenetic location: 3p24.2.
Variant type: single nucleotide variant.
Coding change: c.460G>A on transcript NM_018297.4 (MANE Select); coding-DNA position 460, G replaced by A.
Protein change: p.Gly154Arg; replaces glycine 154 with arginine.
Molecular consequence: missense variant.
Genome position (GRCh38, 1-based): chr3:25,764,098, C>T on the plus strand (G>A on the coding strand, the complement: NGLY1 is on the minus strand). VCF-style: chr3-25764098-C-T. GRCh37 (hg19) VCF-style: chr3-25805589-C-T.
Other names: c.460G>A (NM_018297.3); c.460G>A, p.Gly154Arg (NM_001145293.2, NM_001145295.2); c.334G>A, p.Gly112Arg (NM_001145294.2); short protein forms G154R, G112R.
Identifiers: ClinVar variation 1440045 (VCV001440045.6), dbSNP rs773019915, ClinGen allele CA2289484.
Genomic context (GRCh38, chr3:25,764,098, plus strand): 5'-GTTAAAGAAGGTTTAATTCTAACATTACCGTTGAAGCAGATGGTGGATCTGATGACTGCC[C>T]TTGACGGTTCCTTGTGTGCTGGTTTAACCCACTGGGATTTGAAGATGGTGTTGTAGGAAG-3'
Protein context (NP_060767.2, residues 144-164): GLNQHTRNRQ[Gly154Arg]QSSDPPSAST

ClinVar aggregate classification (germline): Uncertain significance. Review status: criteria provided, multiple submitters, no conflicts (2 of 4 stars). 2 submissions from 2 submitters: Uncertain significance (2). Last evaluated 2025-08-07.

Conditions:
Congenital disorder of deglycosylation (CDDG). Identifiers: MedGen C3808991, MONDO:0031376.
Inborn genetic diseases. Identifiers: MedGen C0950123, MeSH D030342.

Allele frequency attached by ClinVar (database versions not stated): gnomAD exomes below 0.00001 and 0.00002; TOPMed below 0.00001; ExAC 0.00002.
gnomAD v4.1: 6 of 1,614,144 alleles (0.00037%); highest among the groups gnomAD compares: Admixed American, 0.005%; no homozygotes.

Submissions (2):

Ambry Genetics
Classification: Uncertain significance for Inborn genetic diseases. Last evaluated: 2025-08-07. Review status: criteria provided, single submitter. Criteria: Ambry Variant Classification Scheme 2023. Collection method: clinical testing. Allele origin: germline.

Labcorp Genetics (formerly Invitae), Labcorp
Classification: Uncertain significance for Congenital disorder of deglycosylation. Last evaluated: 2022-08-23. Review status: criteria provided, single submitter. Criteria: Invitae Variant Classification Sherloc (09022015). Collection method: clinical testing. Allele origin: germline.
Comment: This sequence change replaces glycine, which is neutral and non-polar, with arginine, which is basic and polar, at codon 154 of the NGLY1 protein (p.Gly154Arg). This variant is present in population databases (rs773019915, gnomAD 0.006%). This variant has not been reported in the literature in individuals affected with NGLY1-related conditions. ClinVar contains an entry for this variant (Variation ID: 1440045). Algorithms developed to predict the effect of missense changes on protein structure and function output the following: SIFT: "Tolerated"; PolyPhen-2: "Benign"; Align-GVGD: "Class C0". The arginine amino acid residue is found in multiple mammalian species, which suggests that this missense change does not adversely affect protein function. In summary, the available evidence is currently insufficient to determine the role of this variant in disease. Therefore, it has been classified as a Variant of Uncertain Significance.